The following is an entry in ClinVar:

ClinVar aggregate classification (germline): Benign (1 of 4 stars; one submission).

Allele frequency attached by ClinVar (database versions not stated): 1000 Genomes Project 30x 0.33276; 1000 Genomes Project 0.33526; TOPMed 0.39051; gnomAD 0.39453 and 0.39480.
gnomAD v4.1: 59,564 of 150,812 alleles (39%); highest among the groups gnomAD compares: Admixed American, 50%; 13,160 homozygotes.

Submission:

GeneDx
Classification: Benign. Last evaluated: 2018-06-15. Review status: criteria provided, single submitter. Criteria: GeneDx Variant Classification (06012015). Collection method: clinical testing. Allele origin: germline. Affected: yes.
Comment: This variant is considered likely benign or benign based on one or more of the following criteria: it is a conservative change, it occurs at a poorly conserved position in the protein, it is predicted to be benign by multiple in silico algorithms, and/or has population frequency not consistent with disease.

NM_001035.3(RYR2):c.3807+241C>T

Genes: RYR2 (ryanodine receptor 2; plus strand), LOC126806067 (BRD4-independent group 4 enhancer GRCh37_chr1:237753258-237754457; plus strand). Cytogenetic location: 1q43.
Variant type: single nucleotide variant.
Coding change: c.3807+241C>T on transcript NM_001035.3 (MANE Select); 241 bases into the intron after coding-DNA position 3807, C replaced by T.
Molecular consequence: intron variant.
Genome position (GRCh38, 1-based): chr1:237,590,242, C>T. VCF-style: chr1-237590242-C-T. GRCh37 (hg19) VCF-style: chr1-237753542-C-T.
Identifiers: ClinVar variation 669266 (VCV000669266.1), dbSNP rs2618712, ClinGen allele CA10946019.